The following is an entry in ClinVar:

NM_004168.4(SDHA):c.771-15_771-11delinsTTCTG

Gene: SDHA (succinate dehydrogenase complex flavoprotein subunit A; plus strand). Cytogenetic location: 5p15.33.
Variant type: Indel.
Coding change: c.771-15_771-11delinsTTCTG on transcript NM_004168.4 (MANE Select); 15 bases into the intron before coding-DNA position 771 through 11 bases into the intron before coding-DNA position 771, CTCTA replaced by TTCTG.
Molecular consequence: intron variant.
Genome position (GRCh38, 1-based): chr5:230,861-230,865, CTCTA replaced by TTCTG. VCF-style: chr5-230861-CTCTA-TTCTG. GRCh37 (hg19) VCF-style: chr5-230976-CTCTA-TTCTG.
Other names: c.771-15_771-11delinsTTCTG (NM_001330758.2); c.627-15_627-11delinsTTCTG (NM_001294332.2).
Identifiers: ClinVar variation 3904607 (VCV003904607.1).

ClinVar aggregate classification (germline): Likely benign (1 of 4 stars; one submission).

Conditions:
Pheochromocytoma/paraganglioma syndrome 5. Also called: Paragangliomas 5; SDHA-Related Hereditary Paraganglioma-Pheochromocytoma Syndrome. Identifiers: Orphanet 29072, MedGen C3279992, MONDO:0013602, OMIM 614165.

Submission:

Myriad Genetics, Inc.
Classification: Likely benign for Pheochromocytoma/paraganglioma syndrome 5. Last evaluated: 2025-03-03. Review status: criteria provided, single submitter. Criteria: Myriad Autosomal Dominant, Autosomal Recessive and X-Linked Classification Criteria (2023). Collection method: clinical testing. Allele origin: unknown.
Comment: This variant is considered likely benign. This variant is intronic and is not expected to impact mRNA splicing.